The following is an entry in ClinVar:

ClinVar aggregate classification (germline): Uncertain significance. Review status: criteria provided, multiple submitters, no conflicts (2 of 4 stars). 2 submissions from 2 submitters: Uncertain significance (2). Last evaluated 2026-05-07.

Conditions:
P2RX2-related disorder. Also called: P2RX2-related condition.

Submissions (2):

PreventionGenetics, part of Exact Sciences
Classification: Uncertain significance for P2RX2-related condition. Last evaluated: 2026-05-07. Review status: criteria provided, single submitter. Criteria: ACMG Guidelines, 2015. Collection method: clinical testing. Allele origin: germline.
Comment: The P2RX2 c.1124A>G variant is predicted to result in the amino acid substitution p.His375Arg. To our knowledge, this variant has not been reported in the literature. This variant is reported in 0.0057% of alleles in individuals of Latino descent in gnomAD. At this time, the clinical significance of this variant is uncertain due to the absence of conclusive functional and genetic evidence.

Blueprint Genetics
Classification: Uncertain significance. Last evaluated: 2024-06-26. Review status: criteria provided, single submitter. Criteria: ACMG Guidelines, 2015. Collection method: clinical testing. Allele origin: germline.

NM_170682.4(P2RX2):c.1124A>G (p.His375Arg)

Gene: P2RX2 (purinergic receptor P2X 2; plus strand). Cytogenetic location: 12q24.33.
Variant type: single nucleotide variant.
Coding change: c.1124A>G on transcript NM_170682.4 (MANE Select); coding-DNA position 1124, A replaced by G.
Protein change: p.His375Arg; replaces histidine 375 with arginine.
Molecular consequence: missense variant. On other transcripts: 3 prime UTR variant (1).
Genome position (GRCh38, 1-based): chr12:132,621,680, A>G. VCF-style: chr12-132621680-A-G. GRCh37 (hg19) VCF-style: chr12-133198266-A-G.
Other names: c.1022A>G, p.His341Arg (NM_001282164.2); c.*171A>G (NM_001282165.2); c.908A>G, p.His303Arg (NM_012226.5); c.1052A>G, p.His351Arg (NM_016318.4); c.1202A>G, p.His401Arg (NM_170683.4); c.848A>G, p.His283Arg (NM_174872.3); c.1124A>G, p.His375Arg (NM_174873.3); c.1124A>G (NM_174873.2); short protein forms H401R, H283R, H303R, H341R, H351R, H375R.
Identifiers: ClinVar variation 4919233 (VCV004919233.2).